The following is an entry in ClinVar:

NM_001164508.2(NEB):c.11076+1G>A

Gene: NEB (nebulin; minus strand). Cytogenetic location: 2q23.3.
Variant type: single nucleotide variant.
Coding change: c.11076+1G>A on transcript NM_001164508.2 (MANE Select); the canonical splice donor site of the intron after coding-DNA position 11076, G replaced by A.
Molecular consequence: splice donor variant.
Genome position (GRCh38, 1-based): chr2:151,618,274, C>T on the plus strand (G>A on the coding strand, the complement: NEB is on the minus strand). VCF-style: chr2-151618274-C-T. GRCh37 (hg19) VCF-style: chr2-152474788-C-T.
Other names: c.10347+1G>A (NM_004543.5); c.11076+1G>A (NM_001164507.2, NM_001271208.2).
Identifiers: ClinVar variation 552055 (VCV000552055.4), dbSNP rs1460365350, ClinGen allele CA348785559.

ClinVar aggregate classification (germline): Conflicting classifications of pathogenicity. Review status: criteria provided, conflicting classifications (1 of 4 stars). 3 submissions from 3 submitters: Likely pathogenic (1); Uncertain significance (1). 1 of the submissions does not count toward it. Last evaluated 2025-03-17.

Conditions:
Arthrogryposis multiplex congenita 6. Identifiers: MedGen C5543431, MONDO:0030281, OMIM 619334.
Nemaline myopathy. Also called: Myopathies, Nemaline. Identifiers: Orphanet 607, MedGen C0206157, MONDO:0018958.
Nemaline myopathy 2 (NEM2). Also called: Nemaline myopathy 2, autosomal recessive. Identifiers: MedGen C1850569, MONDO:0009725, OMIM 256030.

Allele frequency attached by ClinVar (database versions not stated): gnomAD 0.00001.
gnomAD v4.1: 3 of 1,613,394 alleles (0.00019%); highest among the groups gnomAD compares: Non-Finnish European, 0.00017%; no homozygotes.

Submissions (3):

Broad Center for Mendelian Genomics, Broad Institute of MIT and Harvard
Classification: Uncertain significance for Nemaline myopathy. Last evaluated: 2025-03-17. Review status: criteria provided, single submitter. Criteria: ACMG Guidelines, 2015. Collection method: curation. Allele origin: germline. Inheritance: Autosomal recessive inheritance.
Comment: The c.11076+1G>A variant in NEB has not been previously reported in the literature in individuals with nemaline myopathy, but has been identified in 0.0002% (2/1179514) of European (non-Finnish) chromosomes by the Genome Aggregation Database (gnomAD; dbSNP ID: rs1460365350). Although this variant has been seen in the general population in a heterozygous state, its frequency is low enough to be consistent with a recessive carrier frequency. This variant has also been reported in ClinVar (Variation ID: 552055) and has been interpreted as likely pathogenic by Counsyl. This variant is located in the 3' splice region. Computational tools predict a splicing impact, though this information is not predictive enough to determine pathogenicity. There is an in-frame cryptic splice site 36 bases from the intron-exon boundary, providing evidence that this variant may delete 12 amino acids instead of causing loss of function. However, this information is not predictive enough to determine pathogenicity. Loss of function of the NEB gene is an established disease mechanism in autosomal recessive nemaline myopathy. In summary, the clinical significance of the c.11076+1G>A variant is uncertain. ACMG/AMP Criteria applied: PVS1_moderate, PM2_supporting (Richards 2015).

Baylor Genetics
Classification: Likely pathogenic for Arthrogryposis multiplex congenita 6. Last evaluated: 2023-02-12. Review status: criteria provided, single submitter. Criteria: ACMG Guidelines, 2015. Collection method: clinical testing. Allele origin: unknown.

Counsyl
Classification: Likely pathogenic for Nemaline myopathy 2. Last evaluated: 2017-05-19. Review status: no assertion criteria provided. Collection method: clinical testing. Allele origin: unknown. Not counted in ClinVar's aggregate classification.